The following is an entry in ClinVar:

ClinVar aggregate classification (germline): Likely benign (0 of 4 stars; one submission).

Conditions:
SEMA3G-related disorder. Also called: SEMA3G-related condition.

Submission:

PreventionGenetics, part of Exact Sciences
Classification: Likely benign for SEMA3G-related condition. Last evaluated: 2021-08-31. Review status: no assertion criteria provided. Collection method: clinical testing. Allele origin: germline.
Comment: This variant is classified as likely benign based on ACMG/AMP sequence variant interpretation guidelines (Richards et al. 2015 PMID: 25741868, with internal and published modifications).

NM_020163.3(SEMA3G):c.750G>A (p.Thr250=)

Gene: SEMA3G (semaphorin 3G; minus strand). Cytogenetic location: 3p21.1.
Variant type: single nucleotide variant.
Coding change: c.750G>A on transcript NM_020163.3 (MANE Select); coding-DNA position 750, G replaced by A.
Protein change: p.Thr250=; no amino-acid change (threonine 250 retained).
Molecular consequence: synonymous variant.
Genome position (GRCh38, 1-based): chr3:52,441,327, C>T on the plus strand (G>A on the coding strand, the complement: SEMA3G is on the minus strand). VCF-style: chr3-52441327-C-T. GRCh37 (hg19) VCF-style: chr3-52475343-C-T.
Identifiers: ClinVar variation 3350826 (VCV003350826.1).